The following is an entry in ClinVar:

ClinVar aggregate classification (germline): Likely pathogenic (1 of 4 stars; one submission).

Allele frequency attached by ClinVar (database versions not stated): gnomAD exomes below 0.00001.
gnomAD v4.1: 1 of 1,204,453 alleles (0.000083%); highest among the groups gnomAD compares: South Asian, 0.0018%; no homozygotes.

Submission:

GeneDx
Classification: Likely pathogenic. Last evaluated: 2015-12-22. Review status: criteria provided, single submitter. Criteria: GeneDx Variant Classification (06012015). Collection method: clinical testing. Allele origin: germline. Affected: yes.
Comment: The V240I variant in the RPS6KA3 gene has not been reported previously as a pathogenic variant,nor as a benign variant, to our knowledge. The V240I variant was not observed in approximately 6,500 individuals of European and African American ancestry in the NHLBI Exome Sequencing Project, indicating it is not a common benign variant in these populations. The V240I variant is a conservative amino acid substitution, which occurs at a position that is conserved across species. In silico analysis is inconsistent in its predictions as to whether or not the variant is damaging to the protein structure/function. A missense variant in a nearby residue (A236V) has been reported in the Human Gene Mutation Database in association with Coffin-Lowry syndrome (Stenson et al., 2014),supporting the functional importance of this region of the protein. The V240I variant is a strong candidate for a pathogenic variant. However, the possibility it may be a rare benign variant cannot be excluded.

NM_004586.3(RPS6KA3):c.718G>A (p.Val240Ile)

Gene: RPS6KA3 (ribosomal protein S6 kinase A3; minus strand). Cytogenetic location: Xp22.12.
Variant type: single nucleotide variant.
Coding change: c.718G>A on transcript NM_004586.3 (MANE Select); coding-DNA position 718, G replaced by A.
Protein change: p.Val240Ile; replaces valine 240 with isoleucine.
Molecular consequence: missense variant.
Genome position (GRCh38, 1-based): chrX:20,187,884, C>T on the plus strand (G>A on the coding strand, the complement: RPS6KA3 is on the minus strand). VCF-style: chrX-20187884-C-T. GRCh37 (hg19) VCF-style: chrX-20206002-C-T.
Other names: short protein forms V240I.
Identifiers: ClinVar variation 372845 (VCV000372845.1), dbSNP rs1057518020, ClinGen allele CA16043302.